The following is an entry in ClinVar:

ClinVar aggregate classification (germline): Uncertain significance (1 of 4 stars; one submission).

Submission:

Ambry Genetics
Classification: Uncertain significance. Last evaluated: 2026-06-16. Review status: criteria provided, single submitter. Criteria: Ambry Variant Classification Scheme 2023. Collection method: clinical testing. Allele origin: germline.
Comment: The p.T1867A variant (also known as c.5599A>G), located in coding exon 22 of the WNK2 gene, results from an A to G substitution at nucleotide position 5599. The threonine at codon 1867 is replaced by alanine, an amino acid with similar properties. This amino acid position is conserved. In addition, this alteration is predicted to be tolerated by in silico analysis. Based on the available evidence, the clinical significance of this variant remains unclear.

NM_006648.4(WNK2):c.5599A>G (p.Thr1867Ala)

Gene: WNK2 (WNK lysine deficient protein kinase 2; plus strand). Cytogenetic location: 9q22.31.
Variant type: single nucleotide variant.
Coding change: c.5599A>G on transcript NM_006648.4 (MANE Select); coding-DNA position 5599, A replaced by G.
Protein change: p.Thr1867Ala; replaces threonine 1867 with alanine.
Molecular consequence: missense variant.
Genome position (GRCh38, 1-based): chr9:93,293,064, A>G. VCF-style: chr9-93293064-A-G. GRCh37 (hg19) VCF-style: chr9-96055346-A-G.
Other names: c.5710A>G, p.Thr1904Ala (NM_001282394.3); short protein forms T1904A, T1867A.
Identifiers: ClinVar variation 5031787 (VCV005031787.1).